The following is an entry in ClinVar:

ClinVar aggregate classification (germline): Pathogenic/Likely pathogenic. Review status: criteria provided, multiple submitters, no conflicts (2 of 4 stars). 6 submissions from 6 submitters: Pathogenic (1); Likely pathogenic (5). Last evaluated 2026-04-10.

Conditions:
Pontoneocerebellar hypoplasia. Also called: Pontocerebellar hypoplasia; Non-syndromic pontocerebellar hypoplasia. Identifiers: Orphanet 98523, MedGen C1261175, MONDO:0020135.
Pontocerebellar hypoplasia type 6 (PCH6). Identifiers: Orphanet 166073, MedGen C1969084, MONDO:0012683, OMIM 611523.

Allele frequency attached by ClinVar (database versions not stated): gnomAD 0.00001; TOPMed 0.00001.
gnomAD v4.1: 6 of 1,611,974 alleles (0.00037%); highest among the groups gnomAD compares: Middle Eastern, 0.016%; no homozygotes.

Submissions (6):

Women's Health and Genetics/Laboratory Corporation of America, LabCorp
Classification: Likely pathogenic for Pontoneocerebellar hypoplasia. Last evaluated: 2026-04-10. Review status: criteria provided, single submitter. Criteria: LabCorp Variant Classification Summary - May 2015. Collection method: clinical testing. Allele origin: germline.
Comment: Variant summary: RARS2 c.1406G>A (p.Arg469His) results in a non-conservative amino acid change located in the DALR anticodon binding domain (IPR008909) of the encoded protein sequence. Algorithms developed to predict the effect of missense changes on protein structure and function all suggest that this variant is likely to be disruptive. The frequency data for this variant in gnomAD is considered unreliable, as metrics indicate poor data quality at this position. c.1406G>A has been observed in at-least two affected siblings from a family affected with Pontocerebellar Hypoplasia, Type 6 (Cassandrini_2013). These data indicate that the variant may be associated with disease. At least one publication reports experimental evidence evaluating an impact on protein function (functional complementation studies using the facultative aerobic yeast Saccharomyces cerevisiae). The most pronounced variant effect results in completely abolished respiration in the yeast cells (Cassandrini_2013). The following publications have been ascertained in the context of this evaluation (PMID: 22569581, 33926074, 31102535, 26970947). ClinVar contains an entry for this variant (Variation ID: 618855). Based on the evidence outlined above, the variant was classified as likely pathogenic.

Baylor Genetics
Classification: Likely pathogenic for Pontocerebellar hypoplasia type 6. Last evaluated: 2024-03-25. Review status: criteria provided, single submitter. Criteria: ACMG Guidelines, 2015. Collection method: clinical testing. Allele origin: unknown.

Labcorp Genetics (formerly Invitae), Labcorp
Classification: Pathogenic. Last evaluated: 2023-06-29. Review status: criteria provided, single submitter. Criteria: Invitae Variant Classification Sherloc (09022015). Collection method: clinical testing. Allele origin: germline.
Comment: This sequence change replaces arginine, which is basic and polar, with histidine, which is basic and polar, at codon 469 of the RARS2 protein (p.Arg469His). This variant is not present in population databases (gnomAD no frequency). This missense change has been observed in individual(s) with pontocerebellar hypoplasia (PMID: 22569581). It has also been observed to segregate with disease in related individuals. ClinVar contains an entry for this variant (Variation ID: 618855). Advanced modeling of protein sequence and biophysical properties (such as structural, functional, and spatial information, amino acid conservation, physicochemical variation, residue mobility, and thermodynamic stability) performed at Invitae indicates that this missense variant is expected to disrupt RARS2 protein function. Experimental studies have shown that this missense change affects RARS2 function (PMID: 22569581). This variant disrupts the p.Arg469 amino acid residue in RARS2. Other variant(s) that disrupt this residue have been determined to be pathogenic (Invitae). This suggests that this residue is clinically significant, and that variants that disrupt this residue are likely to be disease-causing. For these reasons, this variant has been classified as Pathogenic.

Fulgent Genetics
Classification: Likely pathogenic for Pontocerebellar hypoplasia type 6. Last evaluated: 2022-02-24. Review status: criteria provided, single submitter. Criteria: ACMG Guidelines, 2015. Collection method: clinical testing. Allele origin: unknown.

GeneDx
Classification: Likely pathogenic. Last evaluated: 2019-09-26. Review status: criteria provided, single submitter. Criteria: GeneDx Variant Classification Process June 2021. Collection method: clinical testing. Allele origin: germline. Affected: yes.
Comment: Published functional studies demonstrate a damaging effect by complete loss of respiration in yeast harboring MSR1-R531H mutation (equivalent to human R469H) (Cassandrini et al., 2013); Not observed at a significant frequency in large population cohorts (Lek et al., 2016); In silico analysis, which includes protein predictors and evolutionary conservation, supports a deleterious effect; Identified in two siblings with pontocerebellar hypoplasia type 6 who also harbored a variant on the opposite allele (in trans) (Cassandrini et al., 2013); This variant is associated with the following publications: (PMID: 22569581, 30006346)

ARUP Laboratories, Molecular Genetics and Genomics, ARUP Laboratories
Classification: Likely pathogenic. Last evaluated: 2018-04-20. Review status: criteria provided, single submitter. Criteria: ARUP Molecular Germline Variant Investigation Process. Collection method: clinical testing. Allele origin: germline.
Comment: The RARS2 c.1406G>A; p.Arg469His variant (rs759331139) was detected in the homozygous state in two siblings diagnosed with pontocerebellar hypoplasia type 6 (Cassandrini 2013). This variant is located within the tRNA binding site of the protein (Datt 2014) and functional studies in yeast have shown that this variant protein is incapable of supporting respiration (Cassandrini 2013). This variant is absent from the general population databases (1000 Genomes Project, Exome Variant Server, Genome Aggregation Database), indicating it is not a common polymorphism. The arginine at position 469 is highly conserved, considering 12 species. Based on the available information, the p.Arg469His variant is likely to be pathogenic.

Literature cited by the submitters: PubMed 31102535 (cited by Women's Health and Genetics/Laboratory Corporation of America, LabCorp); PubMed 22569581 (cited by Women's Health and Genetics/Laboratory Corporation of America, LabCorp and Labcorp Genetics (formerly Invitae), Labcorp); PubMed 33926074 (cited by Women's Health and Genetics/Laboratory Corporation of America, LabCorp); PubMed 26970947 (cited by Women's Health and Genetics/Laboratory Corporation of America, LabCorp).

NM_020320.5(RARS2):c.1406G>A (p.Arg469His)

Gene: RARS2 (arginyl-tRNA synthetase 2, mitochondrial; minus strand). Cytogenetic location: 6q15.
Variant type: single nucleotide variant.
Coding change: c.1406G>A on transcript NM_020320.5 (MANE Select); coding-DNA position 1406, G replaced by A.
Protein change: p.Arg469His; replaces arginine 469 with histidine.
Molecular consequence: missense variant. On other transcripts: non-coding transcript variant (23).
Genome position (GRCh38, 1-based): chr6:87,518,639, C>T on the plus strand (G>A on the coding strand, the complement: RARS2 is on the minus strand). VCF-style: chr6-87518639-C-T. GRCh37 (hg19) VCF-style: chr6-88228357-C-T.
Other names: c.881G>A, p.Arg294His (NM_001318785.2, NM_001350506.2, NM_001350507.2 and 4 more transcripts); c.1406G>A, p.Arg469His (NM_001350505.2); short protein forms R469H, R294H.
Identifiers: ClinVar variation 618855 (VCV000618855.20), dbSNP rs759331139, ClinGen allele CA142840621.